The following is an entry in ClinVar:

NM_000211.5(ITGB2):c.1656G>C (p.Pro552=)

Gene: ITGB2 (integrin subunit beta 2; minus strand). Cytogenetic location: 21q22.3.
Variant type: single nucleotide variant.
Coding change: c.1656G>C on transcript NM_000211.5 (MANE Select); coding-DNA position 1656, G replaced by C.
Protein change: p.Pro552=; no amino-acid change (proline 552 retained).
Molecular consequence: synonymous variant.
Genome position (GRCh38, 1-based): chr21:44,889,979, C>G on the plus strand (G>C on the coding strand, the complement: ITGB2 is on the minus strand). VCF-style: chr21-44889979-C-G. GRCh37 (hg19) VCF-style: chr21-46309894-C-G.
Other names: c.1656G>C, p.Pro552= (NM_001127491.3); c.1449G>C, p.Pro483= (NM_001303238.2).
Identifiers: ClinVar variation 1020181 (VCV001020181.7), dbSNP rs759039359, ClinGen allele CA10062763.

ClinVar aggregate classification (germline): Uncertain significance (1 of 4 stars; one submission).

Conditions:
Leukocyte adhesion deficiency 1 (LAD1). Also called: LEUKOCYTE ADHESION DEFICIENCY, TYPE I; LAD 1; Lymphocyte function-associated antigen 1 immunodeficiency; LFA 1 immunodeficiency. Identifiers: Orphanet 2968, Orphanet 99842, MedGen C0398738, MONDO:0007293, OMIM 116920.

Allele frequency attached by ClinVar (database versions not stated): TOPMed 0.00004.
gnomAD v4.1: 10 of 1,612,886 alleles (0.00062%); highest among the groups gnomAD compares: African/African-American, 0.011%; no homozygotes.

Submission:

Labcorp Genetics (formerly Invitae), Labcorp
Classification: Uncertain significance for Leukocyte adhesion deficiency 1. Last evaluated: 2022-05-16. Review status: criteria provided, single submitter. Criteria: Invitae Variant Classification Sherloc (09022015). Collection method: clinical testing. Allele origin: germline.
Comment: This variant has not been reported in the literature in individuals affected with ITGB2-related conditions. This sequence change affects codon 552 of the ITGB2 mRNA. It is a 'silent' change, meaning that it does not change the encoded amino acid sequence of the ITGB2 protein. It affects a nucleotide within the consensus splice site. This variant is present in population databases (rs759039359, gnomAD 0.03%). ClinVar contains an entry for this variant (Variation ID: 1020181). Algorithms developed to predict the effect of sequence changes on RNA splicing suggest that this variant is not likely to affect RNA splicing. In summary, the available evidence is currently insufficient to determine the role of this variant in disease. Therefore, it has been classified as a Variant of Uncertain Significance.